The following is an entry in ClinVar:

NM_003737.4(DCHS1):c.6727A>G (p.Thr2243Ala)

Gene: DCHS1 (dachsous cadherin-related 1; minus strand). Cytogenetic location: 11p15.4.
Variant type: single nucleotide variant.
Coding change: c.6727A>G on transcript NM_003737.4 (MANE Select); coding-DNA position 6727, A replaced by G.
Protein change: p.Thr2243Ala; replaces threonine 2243 with alanine.
Molecular consequence: missense variant.
Genome position (GRCh38, 1-based): chr11:6,625,924, T>C on the plus strand (A>G on the coding strand, the complement: DCHS1 is on the minus strand). VCF-style: chr11-6625924-T-C. GRCh37 (hg19) VCF-style: chr11-6647155-T-C.
Other names: short protein forms T2243A.
Identifiers: ClinVar variation 1948256 (VCV001948256.5), dbSNP rs2493816061, ClinGen allele CA379484612.

ClinVar aggregate classification (germline): Uncertain significance (1 of 4 stars; one submission).

Submission:

Labcorp Genetics (formerly Invitae), Labcorp
Classification: Uncertain significance. Last evaluated: 2022-08-28. Review status: criteria provided, single submitter. Criteria: Invitae Variant Classification Sherloc (09022015). Collection method: clinical testing. Allele origin: germline.
Comment: This sequence change replaces threonine, which is neutral and polar, with alanine, which is neutral and non-polar, at codon 2243 of the DCHS1 protein (p.Thr2243Ala). This variant is not present in population databases (gnomAD no frequency). This variant has not been reported in the literature in individuals affected with DCHS1-related conditions. Advanced modeling of protein sequence and biophysical properties (such as structural, functional, and spatial information, amino acid conservation, physicochemical variation, residue mobility, and thermodynamic stability) performed at Invitae indicates that this missense variant is not expected to disrupt DCHS1 protein function. In summary, the available evidence is currently insufficient to determine the role of this variant in disease. Therefore, it has been classified as a Variant of Uncertain Significance.